The following is an entry in ClinVar:

NM_001698.3(AUH):c.656-263T>G

Gene: AUH (AU RNA binding methylglutaconyl-CoA hydratase; minus strand). Cytogenetic location: 9q22.31.
Variant type: single nucleotide variant.
Coding change: c.656-263T>G on transcript NM_001698.3 (MANE Select); 263 bases into the intron before coding-DNA position 656, T replaced by G.
Molecular consequence: intron variant.
Genome position (GRCh38, 1-based): chr9:91,221,255, A>C on the plus strand (T>G on the coding strand, the complement: AUH is on the minus strand). VCF-style: chr9-91221255-A-C. GRCh37 (hg19) VCF-style: chr9-93983537-A-C.
Other names: c.569-263T>G (NM_001306190.2); c.329-263T>G (NM_001351433.2, NM_001351431.2, NM_001351432.2).
Identifiers: ClinVar variation 683364 (VCV000683364.1), dbSNP rs2281921, ClinGen allele CA195893211.

ClinVar aggregate classification (germline): Benign (1 of 4 stars; one submission).

Allele frequency attached by ClinVar (database versions not stated): gnomAD 0.26863; 1000 Genomes Project 0.34764; TOPMed 0.27005; 1000 Genomes Project 30x 0.33791.
gnomAD v4.1: 40,519 of 152,038 alleles (27%); highest among the groups gnomAD compares: East Asian, 52%; 6,185 homozygotes.

Submission:

GeneDx
Classification: Benign. Last evaluated: 2018-06-14. Review status: criteria provided, single submitter. Criteria: GeneDx Variant Classification (06012015). Collection method: clinical testing. Allele origin: germline. Affected: yes.
Comment: This variant is considered likely benign or benign based on one or more of the following criteria: it is a conservative change, it occurs at a poorly conserved position in the protein, it is predicted to be benign by multiple in silico algorithms, and/or has population frequency not consistent with disease.